The following is an entry in ClinVar:

ClinVar aggregate classification (germline): Uncertain significance. Review status: criteria provided, multiple submitters, no conflicts (2 of 4 stars). 2 submissions from 2 submitters: Uncertain significance (2). Last evaluated 2024-10-30.

Conditions:
LYST-related disorder. Also called: LYST-related condition.
Chédiak-Higashi syndrome (CHS). Also called: Chediak-Higashi Syndrome. Identifiers: Orphanet 167, MedGen C0007965, MONDO:0008963, OMIM 214500.

Allele frequency attached by ClinVar (database versions not stated): TOPMed 0.00001; gnomAD exomes below 0.00001; ExAC 0.00001.
gnomAD v4.1: 7 of 1,613,188 alleles (0.00043%); highest among the groups gnomAD compares: South Asian, 0.0011%; no homozygotes.

Submissions (2):

Labcorp Genetics (formerly Invitae), Labcorp
Classification: Uncertain significance for Chédiak-Higashi syndrome. Last evaluated: 2024-10-30. Review status: criteria provided, single submitter. Criteria: Invitae Variant Classification Sherloc (09022015). Collection method: clinical testing. Allele origin: germline.
Comment: This sequence change replaces arginine, which is basic and polar, with cysteine, which is neutral and slightly polar, at codon 3107 of the LYST protein (p.Arg3107Cys). This variant is present in population databases (rs773917897, gnomAD 0.003%). This variant has not been reported in the literature in individuals affected with LYST-related conditions. ClinVar contains an entry for this variant (Variation ID: 2635602). Invitae Evidence Modeling of protein sequence and biophysical properties (such as structural, functional, and spatial information, amino acid conservation, physicochemical variation, residue mobility, and thermodynamic stability) indicates that this missense variant is expected to disrupt LYST protein function with a positive predictive value of 80%. In summary, the available evidence is currently insufficient to determine the role of this variant in disease. Therefore, it has been classified as a Variant of Uncertain Significance.

PreventionGenetics, part of Exact Sciences
Classification: Uncertain significance for LYST-related condition. Last evaluated: 2022-10-28. Review status: criteria provided, single submitter. Criteria: ACMG Guidelines, 2015. Collection method: clinical testing. Allele origin: germline.
Comment: The LYST c.9319C>T variant is predicted to result in the amino acid substitution p.Arg3107Cys. To our knowledge, this variant has not been reported in the literature. This variant is reported in 0.0026% of alleles in individuals of European (Non-Finnish) descent in gnomAD. At this time, the clinical significance of this variant is uncertain due to the absence of conclusive functional and genetic evidence.

NM_000081.4(LYST):c.9319C>T (p.Arg3107Cys)

Gene: LYST (lysosomal trafficking regulator; minus strand). Cytogenetic location: 1q42.3.
Variant type: single nucleotide variant.
Coding change: c.9319C>T on transcript NM_000081.4 (MANE Select); coding-DNA position 9319, C replaced by T.
Protein change: p.Arg3107Cys; replaces arginine 3107 with cysteine.
Molecular consequence: missense variant.
Genome position (GRCh38, 1-based): chr1:235,720,902, G>A on the plus strand (C>T on the coding strand, the complement: LYST is on the minus strand). VCF-style: chr1-235720902-G-A. GRCh37 (hg19) VCF-style: chr1-235884202-G-A.
Other names: c.9319C>T, p.Arg3107Cys (NM_001301365.1); short protein forms R3107C.
Identifiers: ClinVar variation 2635602 (VCV002635602.2), dbSNP rs773917897, ClinGen allele CA1465606.
Genomic context (GRCh38, chr1:235,720,902, plus strand): 5'-TACCATATTCCAGAAGATTAGGGAGGTTATTTGTGAGTATATTGTGGTATACATCATCAC[G>A]AACCTAAAAGGGAAGGAGAAGAAAAAAACCCAGATATTATTTTTAGTCTTATTGGCACTT-3'
Protein context (NP_000072.2, residues 3097-3117): LLLAFDNTKV[Arg3107Cys]DDVYHNILTN